The following is an entry in ClinVar:

ClinVar aggregate classification (germline): Uncertain significance (1 of 4 stars; one submission).

Allele frequency attached by ClinVar (database versions not stated): gnomAD 0.00011; gnomAD exomes 0.00012 and 0.00027; TOPMed 0.00013; ExAC 0.00016; ESP Exome Variant Server 0.00031.
gnomAD v4.1: 416 of 1,612,604 alleles (0.026%); highest among the groups gnomAD compares: Middle Eastern, 0.033%; no homozygotes.

Submission:

Labcorp Genetics (formerly Invitae), Labcorp
Classification: Uncertain significance. Last evaluated: 2021-12-03. Review status: criteria provided, single submitter. Criteria: Invitae Variant Classification Sherloc (09022015). Collection method: clinical testing. Allele origin: germline.
Comment: This sequence change replaces tyrosine, which is neutral and polar, with cysteine, which is neutral and slightly polar, at codon 415 of the PIGU protein (p.Tyr415Cys). This variant is present in population databases (rs145235171, gnomAD 0.02%). This variant has not been reported in the literature in individuals affected with PIGU-related conditions. Algorithms developed to predict the effect of missense changes on protein structure and function (SIFT, PolyPhen-2, Align-GVGD) all suggest that this variant is likely to be tolerated. In summary, the available evidence is currently insufficient to determine the role of this variant in disease. Therefore, it has been classified as a Variant of Uncertain Significance.

NM_080476.5(PIGU):c.1244A>G (p.Tyr415Cys)

Gene: PIGU (phosphatidylinositol glycan anchor biosynthesis class U; minus strand). Cytogenetic location: 20q11.22.
Variant type: single nucleotide variant.
Coding change: c.1244A>G on transcript NM_080476.5 (MANE Select); coding-DNA position 1244, A replaced by G.
Protein change: p.Tyr415Cys; replaces tyrosine 415 with cysteine.
Molecular consequence: missense variant.
Genome position (GRCh38, 1-based): chr20:34,560,930, T>C on the plus strand (A>G on the coding strand, the complement: PIGU is on the minus strand). VCF-style: chr20-34560930-T-C. GRCh37 (hg19) VCF-style: chr20-33148734-T-C.
Other names: short protein forms Y415C.
Identifiers: ClinVar variation 1369420 (VCV001369420.3), dbSNP rs145235171, ClinGen allele CA9822384.
Genomic context (GRCh38, chr20:34,560,930, plus strand): 5'-TTGAGCACGAGCATGGCCTCTGTGCCATCCTTGGCGGTCAAGTAGAGGCCATGTGTGAGG[T>C]AGTACTCCCGCCGCAGGAAGGCATAGAAGTAATCAGAGATGAGCAGGATCTGGGGGGAGA-3'
Protein context (NP_536724.1, residues 405-425): YFYAFLRREY[Tyr415Cys]LTHGLYLTAK